The following is an entry in ClinVar:

NM_001394062.1(MACF1):c.3350C>G (p.Ser1117Cys)

Gene: MACF1 (microtubule actin crosslinking factor 1; plus strand). Cytogenetic location: 1p34.3.
Variant type: single nucleotide variant.
Coding change: c.3350C>G on transcript NM_001394062.1 (MANE Select); coding-DNA position 3350, C replaced by G.
Protein change: p.Ser1117Cys; replaces serine 1117 with cysteine.
Molecular consequence: missense variant.
Genome position (GRCh38, 1-based): chr1:39,315,592, C>G. VCF-style: chr1-39315592-C-G. GRCh37 (hg19) VCF-style: chr1-39781264-C-G.
Other names: c.3365C>G, p.Ser1122Cys (NM_012090.5); short protein forms S1117C, S1122C.
Identifiers: ClinVar variation 4086722 (VCV004086722.1).

ClinVar aggregate classification (germline): Uncertain significance (1 of 4 stars; one submission).

Submission:

GeneDx
Classification: Uncertain significance. Last evaluated: 2025-03-17. Review status: criteria provided, single submitter. Criteria: GeneDx Variant Classification Process June 2021. Collection method: clinical testing. Allele origin: germline. Affected: yes.
Comment: Not observed at significant frequency in large population cohorts (gnomAD); In silico analysis supports that this missense variant has a deleterious effect on protein structure/function; Has not been previously published as pathogenic or benign to our knowledge